The following is an entry in ClinVar:

NM_144997.7(FLCN):c.829_830delinsTG (p.Ala277Cys)

Gene: FLCN (folliculin; minus strand). Cytogenetic location: 17p11.2.
Variant type: Indel.
Coding change: c.829_830delinsTG on transcript NM_144997.7 (MANE Select); coding-DNA positions 829 to 830, GC replaced by TG.
Protein change: p.Ala277Cys; replaces alanine 277 with cysteine.
Molecular consequence: missense variant.
Genome position (GRCh38, 1-based): chr17:17,221,578-17,221,579, GC replaced by CA on the plus strand (GC replaced by TG on the coding strand, the reverse complement: FLCN is on the minus strand). VCF-style: chr17-17221578-GC-CA. GRCh37 (hg19) VCF-style: chr17-17124892-GC-CA.
Other names: c.883_884delinsTG, p.Ala295Cys (NM_001353229.2); c.829_830delinsTG, p.Ala277Cys (NM_001353230.2, NM_001353231.2, NM_144606.7); short protein forms A295C, A277C.
Identifiers: ClinVar variation 4843150 (VCV004843150.1).

ClinVar aggregate classification (germline): Uncertain significance (1 of 4 stars; one submission).

Conditions:
Hereditary cancer-predisposing syndrome. Also called: Neoplastic Syndromes, Hereditary; Tumor predisposition; Hereditary Cancer Syndrome; Hereditary neoplastic syndrome. Identifiers: Orphanet 140162, MedGen C0027672, MeSH D009386, MONDO:0015356.

Submission:

Ambry Genetics
Classification: Uncertain significance for Hereditary cancer-predisposing syndrome. Last evaluated: 2025-12-19. Review status: criteria provided, single submitter. Criteria: Ambry Variant Classification Scheme 2023. Collection method: clinical testing. Allele origin: germline.
Comment: The c.829_830delGCinsTG variant, located in coding exon 5 of the FLCN gene, results from an in-frame deletion of GC and insertion of TG at nucleotide positions 829 to 830. This results in the substitution of the alanine residue for a cysteine residue at codon 277, an amino acid with highly dissimilar properties. This amino acid position is highly conserved in available vertebrate species. In addition, this variant is predicted to be neutral by in silico analysis (Choi Y et al. PLoS ONE. 2012; 7(10):e46688). Based on the available evidence, the clinical significance of this variant remains unclear.